The following is an entry in ClinVar:

ClinVar aggregate classification (germline): Uncertain significance. Review status: criteria provided, multiple submitters, no conflicts (2 of 4 stars). 2 submissions from 2 submitters: Uncertain significance (2). Last evaluated 2025-09-11.

gnomAD v4.1: 5 of 1,580,878 alleles (0.00032%); highest among the groups gnomAD compares: Non-Finnish European, 0.00043%; no homozygotes.

Submissions (2):

Labcorp Genetics (formerly Invitae), Labcorp
Classification: Uncertain significance. Last evaluated: 2025-09-11. Review status: criteria provided, single submitter. Criteria: Invitae Variant Classification Sherloc (09022015). Collection method: clinical testing. Allele origin: germline.
Comment: This sequence change replaces glutamic acid, which is acidic and polar, with lysine, which is basic and polar, at codon 1339 of the MPDZ protein (p.Glu1339Lys). This variant is present in population databases (rs751070115, gnomAD 0.001%). This variant has not been reported in the literature in individuals affected with MPDZ-related conditions. An algorithm developed to predict the effect of missense changes on protein structure and function (PolyPhen-2) suggests that this variant is likely to be tolerated. In summary, the available evidence is currently insufficient to determine the role of this variant in disease. Therefore, it has been classified as a Variant of Uncertain Significance.

Blueprint Genetics
Classification: Uncertain significance. Last evaluated: 2020-04-21. Review status: criteria provided, single submitter. Criteria: ACMG Guidelines, 2015. Collection method: clinical testing. Allele origin: germline.

NM_001378778.1(MPDZ):c.4015G>A (p.Glu1339Lys)

Gene: MPDZ (multiple PDZ domain crumbs cell polarity complex component; minus strand). Cytogenetic location: 9p23.
Variant type: single nucleotide variant.
Coding change: c.4015G>A on transcript NM_001378778.1 (MANE Select); coding-DNA position 4015, G replaced by A.
Protein change: p.Glu1339Lys; replaces glutamic acid 1339 with lysine.
Molecular consequence: missense variant.
Genome position (GRCh38, 1-based): chr9:13,138,142, C>T on the plus strand (G>A on the coding strand, the complement: MPDZ is on the minus strand). VCF-style: chr9-13138142-C-T. GRCh37 (hg19) VCF-style: chr9-13138141-C-T.
Other names: c.3916G>A, p.Glu1306Lys (NM_001261406.2, NM_001261407.2, NM_001375416.1 and 3 more transcripts); c.4015G>A, p.Glu1339Lys (NM_001330637.2, NM_001375413.1, NM_003829.5); c.3805G>A, p.Glu1269Lys (NM_001375420.1, NM_001375421.1, NM_001375422.1 and 4 more transcripts); c.3607G>A, p.Glu1203Lys (NM_001375427.1); short protein forms E1269K, E1203K, E1306K, E1339K.
Identifiers: ClinVar variation 4691631 (VCV004691631.2).